The following is an entry in ClinVar:

NM_177438.3(DICER1):c.1070C>T (p.Ala357Val)

Gene: DICER1 (dicer 1, ribonuclease III; minus strand). Cytogenetic location: 14q32.13.
Variant type: single nucleotide variant.
Coding change: c.1070C>T on transcript NM_177438.3 (MANE Select); coding-DNA position 1070, C replaced by T.
Protein change: p.Ala357Val; replaces alanine 357 with valine.
Molecular consequence: missense variant.
Genome position (GRCh38, 1-based): chr14:95,124,502, G>A on the plus strand (C>T on the coding strand, the complement: DICER1 is on the minus strand). VCF-style: chr14-95124502-G-A. GRCh37 (hg19) VCF-style: chr14-95590839-G-A.
Other names: c.1070C>T, p.Ala357Val (NM_001195573.1, NM_001271282.3, NM_001291628.2 and 1 more transcripts); short protein forms A357V.
Identifiers: ClinVar variation 477027 (VCV000477027.12), dbSNP rs1555374756, ClinGen allele CA390887023.

ClinVar aggregate classification (germline): Uncertain significance. Review status: criteria provided, multiple submitters, no conflicts (2 of 4 stars). 2 submissions from 2 submitters: Uncertain significance (2). Last evaluated 2023-10-17.

Conditions:
DICER1-related tumor predisposition. Also called: DICER1-related pleuropulmonary blastoma cancer predisposition syndrome; DICER1 syndrome. Identifiers: Orphanet 284343, MedGen C3839822, MONDO:0100216.
Hereditary cancer-predisposing syndrome. Also called: Tumor predisposition; Neoplastic Syndromes, Hereditary; Hereditary Cancer Syndrome; Hereditary neoplastic syndrome. Identifiers: Orphanet 140162, MedGen C0027672, MeSH D009386, MONDO:0015356.

gnomAD v4.1: 5 of 1,614,070 alleles (0.00031%); highest among the groups gnomAD compares: Non-Finnish European, 0.00042%; no homozygotes.

Submissions (2):

Ambry Genetics
Classification: Uncertain significance for Hereditary cancer-predisposing syndrome. Last evaluated: 2023-10-17. Review status: criteria provided, single submitter. Criteria: Ambry Variant Classification Scheme 2023. Collection method: clinical testing. Allele origin: germline.
Comment: The p.A357V variant (also known as c.1070C>T), located in coding exon 7 of the DICER1 gene, results from a C to T substitution at nucleotide position 1070. The alanine at codon 357 is replaced by valine, an amino acid with similar properties. This amino acid position is highly conserved in available vertebrate species. In addition, the in silico prediction for this alteration is inconclusive. Since supporting evidence is limited at this time, the clinical significance of this alteration remains unclear.

Labcorp Genetics (formerly Invitae), Labcorp
Classification: Uncertain significance for DICER1-related tumor predisposition. Last evaluated: 2021-08-14. Review status: criteria provided, single submitter. Criteria: Invitae Variant Classification Sherloc (09022015). Collection method: clinical testing. Allele origin: germline.
Comment: In summary, this variant is a novel missense change with uncertain impact on protein function. It has been classified as a Variant of Uncertain Significance. Algorithms developed to predict the effect of missense changes on protein structure and function do not agree on the potential impact of this missense change (SIFT: "Tolerated"; PolyPhen-2: "Probably Damaging"; Align-GVGD: "Class C0"). This variant is not present in population databases (ExAC no frequency) and has not been reported in the literature in individuals with a DICER1-related disease. This sequence change replaces alanine with valine at codon 357 of the DICER1 protein (p.Ala357Val). The alanine residue is highly conserved and there is a small physicochemical difference between alanine and valine.